The following is an entry in ClinVar:

NM_001354483.2(CSGALNACT1):c.1342G>A (p.Gly448Arg)

Gene: CSGALNACT1 (chondroitin sulfate N-acetylgalactosaminyltransferase 1; minus strand). Cytogenetic location: 8p21.3.
Variant type: single nucleotide variant.
Coding change: c.1342G>A on transcript NM_001354483.2 (MANE Select); coding-DNA position 1342, G replaced by A.
Protein change: p.Gly448Arg; replaces glycine 448 with arginine.
Molecular consequence: missense variant. On other transcripts: non-coding transcript variant (7).
Genome position (GRCh38, 1-based): chr8:19,406,037, C>T on the plus strand (G>A on the coding strand, the complement: CSGALNACT1 is on the minus strand). VCF-style: chr8-19406037-C-T. GRCh37 (hg19) VCF-style: chr8-19263548-C-T.
Other names: c.1342G>A, p.Gly448Arg (NM_001130518.2, NM_001354475.2, NM_001354476.2 and 18 more transcripts); short protein forms G448R.
Identifiers: ClinVar variation 1517579 (VCV001517579.5), dbSNP rs779435105, ClinGen allele CA4653791.

ClinVar aggregate classification (germline): Uncertain significance (1 of 4 stars; one submission).

Allele frequency attached by ClinVar (database versions not stated): TOPMed 0.00007; gnomAD exomes 0.00011 and 0.00014; ExAC 0.00012; gnomAD 0.00016.
gnomAD v4.1: 194 of 1,614,094 alleles (0.012%); highest among the groups gnomAD compares: South Asian, 0.06%; no homozygotes.

Submission:

Labcorp Genetics (formerly Invitae), Labcorp
Classification: Uncertain significance. Last evaluated: 2024-09-11. Review status: criteria provided, single submitter. Criteria: Invitae Variant Classification Sherloc (09022015). Collection method: clinical testing. Allele origin: germline.
Comment: This sequence change replaces glycine, which is neutral and non-polar, with arginine, which is basic and polar, at codon 448 of the CSGALNACT1 protein (p.Gly448Arg). This variant is present in population databases (rs779435105, gnomAD 0.05%). This variant has not been reported in the literature in individuals affected with CSGALNACT1-related conditions. ClinVar contains an entry for this variant (Variation ID: 1517579). Invitae Evidence Modeling of protein sequence and biophysical properties (such as structural, functional, and spatial information, amino acid conservation, physicochemical variation, residue mobility, and thermodynamic stability) indicates that this missense variant is not expected to disrupt CSGALNACT1 protein function with a negative predictive value of 80%. In summary, the available evidence is currently insufficient to determine the role of this variant in disease. Therefore, it has been classified as a Variant of Uncertain Significance.